The following is an entry in ClinVar:

NM_030773.4(TUBB1):c.920G>A (p.Arg307His)

Gene: TUBB1 (tubulin beta 1 class VI; plus strand). Cytogenetic location: 20q13.32.
Variant type: single nucleotide variant.
Coding change: c.920G>A on transcript NM_030773.4 (MANE Select); coding-DNA position 920, G replaced by A.
Protein change: p.Arg307His; replaces arginine 307 with histidine.
Molecular consequence: missense variant.
Genome position (GRCh38, 1-based): chr20:59,024,347, G>A. VCF-style: chr20-59024347-G-A. GRCh37 (hg19) VCF-style: chr20-57599402-G-A.
Other names: short protein forms R307H.
Identifiers: ClinVar variation 1297317 (VCV001297317.11), dbSNP rs6070697, ClinGen allele CA9928618.

ClinVar aggregate classification (germline): Benign/Likely benign. Review status: criteria provided, multiple submitters, no conflicts (2 of 4 stars). 7 submissions from 7 submitters: Benign (3); Likely benign (2). 2 of the submissions do not count toward it. Last evaluated 2026-02-04.

Conditions:
Macrothrombocytopenia, isolated, 1, autosomal dominant (MACTHC1). Also called: Autosomal dominant macrothrombocytopenia TUBB1-related. Identifiers: Orphanet 140957, MedGen C5676892, MONDO:0800047, OMIM 613112.

Allele frequency attached by ClinVar (database versions not stated): 1000 Genomes Project 30x 0.14241; 1000 Genomes Project 0.14397; TOPMed 0.15131; ESP Exome Variant Server 0.15603; gnomAD 0.16486 and 0.16511; ExAC 0.17380; gnomAD exomes 0.17500 and 0.17989.
gnomAD v4.1: 287,618 of 1,613,840 alleles (18%); highest among the groups gnomAD compares: Non-Finnish European, 18%; 26,195 homozygotes.

Submissions (7):

Labcorp Genetics (formerly Invitae), Labcorp
Classification: Benign. Last evaluated: 2026-02-04. Review status: criteria provided, single submitter. Criteria: Invitae Variant Classification Sherloc (09022015). Collection method: clinical testing. Allele origin: germline.

Blueprint Genetics
Classification: Likely benign. Last evaluated: 2024-11-28. Review status: criteria provided, single submitter. Criteria: ACMG Guidelines, 2015. Collection method: clinical testing. Allele origin: germline.

Fulgent Genetics
Classification: Likely benign for Macrothrombocytopenia, isolated, 1, autosomal dominant. Last evaluated: 2021-08-06. Review status: criteria provided, single submitter. Criteria: ACMG Guidelines, 2015. Collection method: clinical testing. Allele origin: unknown.

GeneDx
Classification: Benign. Last evaluated: 2021-06-09. Review status: criteria provided, single submitter. Criteria: GeneDx Variant Classification Process June 2021. Collection method: clinical testing. Allele origin: germline. Affected: yes.
Comment: This variant is associated with the following publications: (PMID: 25529050, 24777453, 23157319, 26540125)

Breakthrough Genomics
Classification: Benign. Review status: criteria provided, single submitter. Criteria: ACMG Guidelines, 2015. Collection method: not provided. Allele origin: germline. Inheritance: Autosomal dominant inheritance. Affected: yes.

Clinical Genetics, Academic Medical Center
Classification: Benign. Review status: no assertion criteria provided. Collection method: clinical testing. Allele origin: germline. Affected: yes. Study: VKGL Data-share Consensus. Not counted in ClinVar's aggregate classification.

Diagnostic Laboratory, Department of Genetics, University Medical Center Groningen
Classification: Benign. Review status: no assertion criteria provided. Collection method: clinical testing. Allele origin: germline. Affected: yes. Study: VKGL Data-share Consensus. Not counted in ClinVar's aggregate classification.